The following is an entry in ClinVar:

ClinVar aggregate classification (germline): Uncertain significance (1 of 4 stars; one submission).

Conditions:
Zellweger spectrum disorders (ZS). Also called: Zellweger Spectrum Disorder (ZSD); Zellweger syndrome; Zellweger Spectrum Disorder; Zellweger Spectrum. Identifiers: Orphanet 912, MedGen C0043459, MONDO:0019609.

Submission:

Labcorp Genetics (formerly Invitae), Labcorp
Classification: Uncertain significance for Zellweger spectrum disorders. Last evaluated: 2024-09-16. Review status: criteria provided, single submitter. Criteria: Invitae Variant Classification Sherloc (09022015). Collection method: clinical testing. Allele origin: germline.
Comment: This sequence change falls in intron 14 of the PEX1 gene. It does not directly change the encoded amino acid sequence of the PEX1 protein. This variant is not present in population databases (gnomAD no frequency). This variant has not been reported in the literature in individuals affected with PEX1-related conditions. ClinVar contains an entry for this variant (Variation ID: 1958043). Algorithms developed to predict the effect of sequence changes on RNA splicing suggest that this variant may disrupt the consensus splice site. In summary, the available evidence is currently insufficient to determine the role of this variant in disease. Therefore, it has been classified as a Variant of Uncertain Significance.

NM_000466.3(PEX1):c.2417-5A>G

Gene: PEX1 (peroxisomal biogenesis factor 1; minus strand). Cytogenetic location: 7q21.2.
Variant type: single nucleotide variant.
Coding change: c.2417-5A>G on transcript NM_000466.3 (MANE Select); 5 bases into the intron before coding-DNA position 2417, A replaced by G.
Molecular consequence: intron variant.
Genome position (GRCh38, 1-based): chr7:92,501,678, T>C on the plus strand (A>G on the coding strand, the complement: PEX1 is on the minus strand). VCF-style: chr7-92501678-T-C. GRCh37 (hg19) VCF-style: chr7-92130992-T-C.
Other names: c.2246-5A>G (NM_001282677.2); c.1793-5A>G (NM_001282678.2).
Identifiers: ClinVar variation 1958043 (VCV001958043.5), dbSNP rs2484660608, ClinGen allele CA2580077838.
Genomic context (GRCh38, chr7:92,501,678, plus strand): 5'-CGCAGGAAGAAATCCGCGGAGAGCCTTTTGGAAGTCCAATGTTGTTAAAACTAATTCTGT[T>C]TAAAAATAAACAAAACTTCTTTTACTAGTTATATTCACTATATGAATTTTCAAAATATGC-3'